The following is an entry in ClinVar:

NM_001035.3(RYR2):c.10523T>C (p.Ile3508Thr)

Gene: RYR2 (ryanodine receptor 2; plus strand). Cytogenetic location: 1q43.
Variant type: single nucleotide variant.
Coding change: c.10523T>C on transcript NM_001035.3 (MANE Select); coding-DNA position 10523, T replaced by C.
Protein change: p.Ile3508Thr; replaces isoleucine 3508 with threonine.
Molecular consequence: missense variant.
Genome position (GRCh38, 1-based): chr1:237,718,490, T>C. VCF-style: chr1-237718490-T-C. GRCh37 (hg19) VCF-style: chr1-237881790-T-C.
Other names: p.I3508T:ATA>ACA; c.10523T>C, p.Ile3508Thr (LRG_402t1); short protein forms I3508T.
Identifiers: ClinVar variation 201301 (VCV000201301.28), dbSNP rs115622575, ClinGen allele CA006660.
Genomic context (GRCh38, chr1:237,718,490, plus strand): 5'-ACTCCTTTTAGGTAACATATATTTCTTGACAGAAAGATACCGAGGATGAAGTACGAGATA[T>C]AATCCGCAGCAATATTCATTTACAAGGCAAGGTAAGCCAAATTTTATTCTTAAGCCACAT-3'
Protein context (NP_001026.2, residues 3498-3518): LKDTEDEVRD[Ile3508Thr]IRSNIHLQGK

ClinVar aggregate classification (germline): Conflicting classifications of pathogenicity. Review status: criteria provided, conflicting classifications (1 of 4 stars). 8 submissions from 8 submitters: Uncertain significance (3); Likely benign (3). 2 of the submissions do not count toward it. Last evaluated 2026-04-17.

Conditions:
Catecholaminergic polymorphic ventricular tachycardia (CVPT). Also called: Catecholamine-induced polymorphic ventricular tachycardia. Identifiers: Orphanet 3286, MedGen C5574922, MONDO:0017990.
Cardiovascular phenotype. Identifiers: MedGen CN230736.
Catecholaminergic polymorphic ventricular tachycardia 1. Also called: VENTRICULAR TACHYCARDIA, CATECHOLAMINERGIC POLYMORPHIC, 1, WITH OR WITHOUT ATRIAL DYSFUNCTION AND/OR DILATED CARDIOMYOPATHY; RYR2-Related Catecholaminergic Polymorphic Ventricular Tachycardia; VENTRICULAR TACHYCARDIA, STRESS-INDUCED POLYMORPHIC 1. Identifiers: Orphanet 3286, MedGen C1631597, MONDO:0011484, OMIM 604772.
Cardiomyopathy (CMYO). Also called: Cardiomyopathies. Identifiers: Orphanet 167848, MedGen C0878544, MONDO:0004994, HP:0001638. Inheritance: Various modes of inheritance.

Allele frequency attached by ClinVar (database versions not stated): gnomAD exomes 0.00002 and 0.00003; ExAC 0.00003; ESP Exome Variant Server 0.00008; gnomAD 0.00014 and 0.00015; TOPMed 0.00018; 1000 Genomes Project 0.00040; 1000 Genomes Project 30x 0.00047.
gnomAD v4.1: 47 of 1,597,170 alleles (0.0029%); highest among the groups gnomAD compares: African/African-American, 0.045%; no homozygotes.

Submissions (8):

Women's Health and Genetics/Laboratory Corporation of America, LabCorp
Classification: Likely benign. Last evaluated: 2026-04-17. Review status: criteria provided, single submitter. Criteria: LabCorp Variant Classification Summary - May 2015. Collection method: clinical testing. Allele origin: germline.
Comment: Variant summary: RYR2 c.10523T>C (p.Ile3508Thr) results in a non-conservative amino acid change in the encoded protein sequence. Algorithms developed to predict the effect of missense changes on protein structure and function are either unavailable or do not agree on the potential impact of this missense change. The variant allele was found at a frequency of 2.9e-05 in 1597170 control chromosomes, predominantly at a frequency of 0.00045 within the African or African-American subpopulation in the gnomAD database. The observed variant frequency within African or African-American control individuals in the gnomAD database exceeds the estimated maximal expected allele frequency for disease-causing variants in RYR2. To our knowledge, no occurrence of c.10523T>C in individuals affected with RYR2-related conditions and no experimental evidence demonstrating its impact on protein function have been reported. ClinVar contains an entry for this variant (Variation ID: 201301). Based on the evidence outlined above, the variant was classified as likely benign.

Labcorp Genetics (formerly Invitae), Labcorp
Classification: Likely benign for Catecholaminergic polymorphic ventricular tachycardia 1. Last evaluated: 2026-01-05. Review status: criteria provided, single submitter. Criteria: Invitae Variant Classification Sherloc (09022015). Collection method: clinical testing. Allele origin: germline.

Color Diagnostics, LLC DBA Color Health
Classification: Likely benign for Cardiomyopathy. Last evaluated: 2025-03-03. Review status: criteria provided, single submitter. Criteria: ACMG Guidelines, 2015. Collection method: clinical testing. Allele origin: germline.

GeneDx
Classification: Uncertain significance. Last evaluated: 2024-12-06. Review status: criteria provided, single submitter. Criteria: GeneDx Variant Classification Process June 2021. Collection method: clinical testing. Allele origin: germline. Affected: yes.
Comment: In silico analysis indicates that this missense variant does not alter protein structure/function; Not located in one of the three hot-spot regions of the RYR2 gene, where the majority of pathogenic missense variants occur (PMID: 19926015); Identified in a patient with HCM in the published literature (PMID: 28771489); This variant is associated with the following publications: (PMID: 28404607, 19926015, 35026164, 28771489)

Ambry Genetics
Classification: Uncertain significance for Cardiovascular phenotype. Last evaluated: 2024-03-01. Review status: criteria provided, single submitter. Criteria: Ambry Variant Classification Scheme 2023. Collection method: clinical testing. Allele origin: germline.
Comment: The p.I3508T variant (also known as c.10523T>C), located in coding exon 73 of the RYR2 gene, results from a T to C substitution at nucleotide position 10523. The isoleucine at codon 3508 is replaced by threonine, an amino acid with similar properties. This variant was detected in a hypertrophic cardiomyopathy case, as well as in a reportedly healthy exome cohort; however clinical details were limited (Landstrom AP et al. Circ Arrhythm Electrophysiol, 2017 Apr;10:; Mademont-Soler I et al. PLoS ONE, 2017 Aug;12:e0181465). This variant was also reported in a pediatric cardiomyopathy cohort (Ware SM et al. Am J Hum Genet, 2022 Feb;109:282-298). This amino acid position is not well conserved in available vertebrate species. In addition, the in silico prediction for this alteration is inconclusive. Based on the available evidence, the clinical significance of this alteration remains unclear.

All of Us Research Program, National Institutes of Health
Classification: Uncertain significance for Catecholaminergic polymorphic ventricular tachycardia. Last evaluated: 2024-01-11. Review status: criteria provided, single submitter. Criteria: ACMG Guidelines, 2015. Collection method: clinical testing. Allele origin: germline. Inheritance: Autosomal dominant inheritance. Observed: 11 variant alleles, 11 heterozygotes.
Comment: This variant replaces isoleucine with threonine at codon 3508 in the RYR2 protein. Computational prediction suggests that this variant may not impact protein structure and function (internally defined REVEL score threshold <= 0.5, PMID: 27666373). To our knowledge, functional studies have not been reported for this variant. This variant has not been reported in individuals affected with cardiovascular disorders in the literature. This variant has been identified in 12/279800 chromosomes in the general population by the Genome Aggregation Database (gnomAD). The available evidence is insufficient to determine the role of this variant in disease conclusively. Therefore, this variant is classified as a Variant of Uncertain Significance.

This study involves interpretation of variants in research participants for the purpose of population health screening. Participant phenotype was not available at the time of variant classification. Additional details can be found in publication PMID: 35346344, PMCID: PMC8962531

Clinical Genetics DNA and cytogenetics Diagnostics Lab, Erasmus MC, Erasmus Medical Center
Classification: Benign. Review status: no assertion criteria provided. Collection method: clinical testing. Allele origin: germline. Affected: yes. Study: VKGL Data-share Consensus. Not counted in ClinVar's aggregate classification.

Genome Diagnostics Laboratory, University Medical Center Utrecht
Classification: Likely benign. Review status: no assertion criteria provided. Collection method: clinical testing. Allele origin: germline. Affected: yes. Study: VKGL Data-share Consensus. Not counted in ClinVar's aggregate classification.

Literature cited by the submitters: PubMed 28404607 (cited by Ambry Genetics); PubMed 28771489 (cited by Ambry Genetics); PubMed 35026164 (cited by Ambry Genetics).